The following is an entry in ClinVar:

ClinVar aggregate classification (germline): Uncertain significance. Review status: criteria provided, multiple submitters, no conflicts (2 of 4 stars). 2 submissions from 2 submitters: Uncertain significance (2). Last evaluated 2025-01-24.

Conditions:
Short stature and advanced bone age, with or without early-onset osteoarthritis and/or osteochondritis dissecans (SSOAOD). Identifiers: Orphanet 251262, MedGen C3665488, MONDO:0100462, OMIM 165800.

Allele frequency attached by ClinVar (database versions not stated): TOPMed below 0.00001; gnomAD exomes 0.00001; ExAC 0.00002.
gnomAD v4.1: 12 of 1,612,578 alleles (0.00074%); highest among the groups gnomAD compares: Admixed American, 0.0017%; no homozygotes.

Submissions (2):

Labcorp Genetics (formerly Invitae), Labcorp
Classification: Uncertain significance. Last evaluated: 2025-01-24. Review status: criteria provided, single submitter. Criteria: Invitae Variant Classification Sherloc (09022015). Collection method: clinical testing. Allele origin: germline.
Comment: This sequence change replaces valine, which is neutral and non-polar, with methionine, which is neutral and non-polar, at codon 307 of the ACAN protein (p.Val307Met). This variant is present in population databases (rs778732470, gnomAD 0.006%). This variant has not been reported in the literature in individuals affected with ACAN-related conditions. ClinVar contains an entry for this variant (Variation ID: 1709955). Invitae Evidence Modeling of protein sequence and biophysical properties (such as structural, functional, and spatial information, amino acid conservation, physicochemical variation, residue mobility, and thermodynamic stability) indicates that this missense variant is not expected to disrupt ACAN protein function with a negative predictive value of 80%. In summary, the available evidence is currently insufficient to determine the role of this variant in disease. Therefore, it has been classified as a Variant of Uncertain Significance.

MGZ Medical Genetics Center
Classification: Uncertain significance for Short stature and advanced bone age, with or without early-onset osteoarthritis and/or osteochondritis dissecans. Last evaluated: 2021-09-07. Review status: criteria provided, single submitter. Criteria: ACMG Guidelines, 2015. Collection method: clinical testing. Allele origin: germline. Affected: yes. Observed: 1 variant allele.
Comment: ACMG criteria applied: PM2_SUP

NM_001369268.1(ACAN):c.919G>A (p.Val307Met)

Gene: ACAN (aggrecan; plus strand). Cytogenetic location: 15q26.1.
Variant type: single nucleotide variant.
Coding change: c.919G>A on transcript NM_001369268.1 (MANE Select); coding-DNA position 919, G replaced by A.
Protein change: p.Val307Met; replaces valine 307 with methionine.
Molecular consequence: missense variant.
Genome position (GRCh38, 1-based): chr15:88,843,516, G>A. VCF-style: chr15-88843516-G-A. GRCh37 (hg19) VCF-style: chr15-89386747-G-A.
Other names: c.919G>A, p.Val307Met (NM_001135.4, NM_001411096.1, NM_001411097.1 and 1 more transcripts); short protein forms V307M.
Identifiers: ClinVar variation 1709955 (VCV001709955.4), dbSNP rs778732470, ClinGen allele CA7719402.